The following is an entry in ClinVar:

NM_152703.5(SAMD9L):c.662T>C (p.Val221Ala)

Gene: SAMD9L (sterile alpha motif domain containing 9 like; minus strand). Cytogenetic location: 7q21.2.
Variant type: single nucleotide variant.
Coding change: c.662T>C on transcript NM_152703.5 (MANE Select); coding-DNA position 662, T replaced by C.
Protein change: p.Val221Ala; replaces valine 221 with alanine.
Molecular consequence: missense variant.
Genome position (GRCh38, 1-based): chr7:93,135,310, A>G on the plus strand (T>C on the coding strand, the complement: SAMD9L is on the minus strand). VCF-style: chr7-93135310-A-G. GRCh37 (hg19) VCF-style: chr7-92764623-A-G.
Other names: c.662T>C, p.Val221Ala (NM_001303496.3, NM_001303497.3, NM_001303498.3 and 5 more transcripts); c.662T>C (NM_152703.2); short protein forms V221A.
Identifiers: ClinVar variation 2757327 (VCV002757327.4), dbSNP rs1046968584, ClinGen allele CA161963077.

ClinVar aggregate classification (germline): Uncertain significance. Review status: criteria provided, multiple submitters, no conflicts (2 of 4 stars). 2 submissions from 2 submitters: Uncertain significance (2). Last evaluated 2026-02-19.

Conditions:
Inborn genetic diseases. Identifiers: MedGen C0950123, MeSH D030342.

Allele frequency attached by ClinVar (database versions not stated): TOPMed 0.00001; gnomAD 0.00002.
gnomAD v4.1: 4 of 1,614,008 alleles (0.00025%); highest among the groups gnomAD compares: African/African-American, 0.0027%; no homozygotes.

Submissions (2):

Ambry Genetics
Classification: Uncertain significance for Inborn genetic diseases. Last evaluated: 2026-02-19. Review status: criteria provided, single submitter. Criteria: Ambry Variant Classification Scheme 2023. Collection method: clinical testing. Allele origin: germline.
Comment: The p.V221A variant (also known as c.662T>C), located in coding exon 1 of the SAMD9L gene, results from a T to C substitution at nucleotide position 662. The valine at codon 221 is replaced by alanine, an amino acid with similar properties. This amino acid position is conserved. In addition, this alteration is predicted to be tolerated by in silico analysis. Based on the available evidence, the clinical significance of this variant remains unclear.

Labcorp Genetics (formerly Invitae), Labcorp
Classification: Uncertain significance. Last evaluated: 2023-10-23. Review status: criteria provided, single submitter. Criteria: Invitae Variant Classification Sherloc (09022015). Collection method: clinical testing. Allele origin: germline.
Comment: This sequence change replaces valine, which is neutral and non-polar, with alanine, which is neutral and non-polar, at codon 221 of the SAMD9L protein (p.Val221Ala). This variant is present in population databases (no rsID available, gnomAD 0.01%). This variant has not been reported in the literature in individuals affected with SAMD9L-related conditions. Algorithms developed to predict the effect of missense changes on protein structure and function output the following: SIFT: "Not Available"; PolyPhen-2: "Benign"; Align-GVGD: "Not Available". The alanine amino acid residue is found in multiple mammalian species, which suggests that this missense change does not adversely affect protein function. In summary, the available evidence is currently insufficient to determine the role of this variant in disease. Therefore, it has been classified as a Variant of Uncertain Significance.